The following is an entry in ClinVar:

ClinVar aggregate classification (germline): Uncertain significance. Review status: criteria provided, multiple submitters, no conflicts (2 of 4 stars). 3 submissions from 3 submitters: Uncertain significance (3). Last evaluated 2024-06-28.

Conditions:
Hereditary cancer-predisposing syndrome. Also called: Tumor predisposition; Hereditary Cancer Syndrome; Hereditary neoplastic syndrome; Neoplastic Syndromes, Hereditary. Identifiers: Orphanet 140162, MedGen C0027672, MeSH D009386, MONDO:0015356.
POLD1-related polyposis and colorectal cancer syndrome (CRCS10). Also called: Colorectal cancer 10; COLORECTAL CANCER, SUSCEPTIBILITY TO, ON CHROMOSOME 19q; Colorectal cancer, susceptibility to, 10. Identifiers: Orphanet 220460, MedGen C2675481, MONDO:0012953, OMIM 612591.

Submissions (3):

Blueprint Genetics
Classification: Uncertain significance. Last evaluated: 2024-06-28. Review status: criteria provided, single submitter. Criteria: ACMG Guidelines, 2015. Collection method: clinical testing. Allele origin: germline.

Labcorp Genetics (formerly Invitae), Labcorp
Classification: Uncertain significance for POLD1-related polyposis and colorectal cancer syndrome. Last evaluated: 2023-06-17. Review status: criteria provided, single submitter. Criteria: Invitae Variant Classification Sherloc (09022015). Collection method: clinical testing. Allele origin: germline.
Comment: In summary, the available evidence is currently insufficient to determine the role of this variant in disease. Therefore, it has been classified as a Variant of Uncertain Significance. Advanced modeling of protein sequence and biophysical properties (such as structural, functional, and spatial information, amino acid conservation, physicochemical variation, residue mobility, and thermodynamic stability) performed at Invitae indicates that this missense variant is expected to disrupt POLD1 protein function. ClinVar contains an entry for this variant (Variation ID: 1965261). This variant has not been reported in the literature in individuals affected with POLD1-related conditions. This variant is not present in population databases (gnomAD no frequency). This sequence change replaces methionine, which is neutral and non-polar, with valine, which is neutral and non-polar, at codon 255 of the POLD1 protein (p.Met255Val).

Ambry Genetics
Classification: Uncertain significance for Hereditary cancer-predisposing syndrome. Last evaluated: 2023-02-12. Review status: criteria provided, single submitter. Criteria: Ambry Variant Classification Scheme 2023. Collection method: clinical testing. Allele origin: germline.
Comment: The p.M255V variant (also known as c.763A>G), located in coding exon 6 of the POLD1 gene, results from an A to G substitution at nucleotide position 763. The methionine at codon 255 is replaced by valine, an amino acid with highly similar properties. This amino acid position is conserved. In addition, the in silico prediction for this alteration is inconclusive. Since supporting evidence is limited at this time, the clinical significance of this alteration remains unclear.

NM_002691.4(POLD1):c.763A>G (p.Met255Val)

Gene: POLD1 (DNA polymerase delta 1, catalytic subunit; plus strand). Cytogenetic location: 19q13.33.
Variant type: single nucleotide variant.
Coding change: c.763A>G on transcript NM_002691.4 (MANE Select); coding-DNA position 763, A replaced by G.
Protein change: p.Met255Val; replaces methionine 255 with valine.
Molecular consequence: missense variant. On other transcripts: non-coding transcript variant (1).
Genome position (GRCh38, 1-based): chr19:50,402,458, A>G. VCF-style: chr19-50402458-A-G. GRCh37 (hg19) VCF-style: chr19-50905715-A-G.
Other names: c.763A>G (NM_002691.2); c.763A>G, p.Met255Val (NM_001256849.1, NM_001308632.1); short protein forms M255V.
Identifiers: ClinVar variation 1965261 (VCV001965261.8), dbSNP rs2513965801, ClinGen allele CA406974773.